The following is an entry in ClinVar:

NM_015272.5(RPGRIP1L):c.2665C>T (p.His889Tyr)

Gene: RPGRIP1L (RPGRIP1 like; minus strand). Cytogenetic location: 16q12.2.
Variant type: single nucleotide variant.
Coding change: c.2665C>T on transcript NM_015272.5 (MANE Select); coding-DNA position 2665, C replaced by T.
Protein change: p.His889Tyr; replaces histidine 889 with tyrosine.
Molecular consequence: missense variant.
Genome position (GRCh38, 1-based): chr16:53,645,643, G>A on the plus strand (C>T on the coding strand, the complement: RPGRIP1L is on the minus strand). VCF-style: chr16-53645643-G-A. GRCh37 (hg19) VCF-style: chr16-53679555-G-A.
Other names: c.2665C>T, p.His889Tyr (NM_001127897.4, NM_001308334.3, NM_001330538.2); short protein forms H889Y.
Identifiers: ClinVar variation 2952037 (VCV002952037.3), dbSNP rs193052266, ClinGen allele CA395914110.

ClinVar aggregate classification (germline): Uncertain significance (1 of 4 stars; one submission).

Conditions:
Joubert syndrome. Also called: CEREBELLOPARENCHYMAL DISORDER IV; JOUBERT-BOLTSHAUSER SYNDROME; Familial aplasia of the vermis. Identifiers: Orphanet 475, MedGen C5979921, MONDO:0018772.
Meckel-Gruber syndrome. Also called: DYSENCEPHALIA SPLANCHNOCYSTICA; GRUBER SYNDROME; Dysencephalia splachnocystica. Identifiers: Orphanet 564, MedGen C0265215, MONDO:0018921.

Submission:

Labcorp Genetics (formerly Invitae), Labcorp
Classification: Uncertain significance for Joubert syndrome; Meckel-Gruber syndrome. Last evaluated: 2023-09-19. Review status: criteria provided, single submitter. Criteria: Invitae Variant Classification Sherloc (09022015). Collection method: clinical testing. Allele origin: germline.
Comment: In summary, the available evidence is currently insufficient to determine the role of this variant in disease. Therefore, it has been classified as a Variant of Uncertain Significance. Advanced modeling of protein sequence and biophysical properties (such as structural, functional, and spatial information, amino acid conservation, physicochemical variation, residue mobility, and thermodynamic stability) performed at Invitae indicates that this missense variant is not expected to disrupt RPGRIP1L protein function. This variant has not been reported in the literature in individuals affected with RPGRIP1L-related conditions. This variant is not present in population databases (gnomAD no frequency). This sequence change replaces histidine, which is basic and polar, with tyrosine, which is neutral and polar, at codon 889 of the RPGRIP1L protein (p.His889Tyr).